The following is an entry in ClinVar:

ClinVar aggregate classification (germline): Uncertain significance (1 of 4 stars; one submission).

Conditions:
Myofibrillar myopathy 5. Also called: FILAMINOPATHY, AUTOSOMAL DOMINANT; Filaminopathy (type). Identifiers: Orphanet 171445, MedGen C1836050, MONDO:0012289, OMIM 609524.
Distal myopathy with posterior leg and anterior hand involvement. Also called: WILLIAMS DISTAL MYOPATHY. Identifiers: Orphanet 63273, MedGen C3279722, MONDO:0013550, OMIM 614065.
Hypertrophic cardiomyopathy 26. Also called: Cardiomyopathy, familial hypertrophic, 26. Identifiers: Orphanet 75249, MedGen C4310749, MONDO:0014883, OMIM 617047.

Submission:

Labcorp Genetics (formerly Invitae), Labcorp
Classification: Uncertain significance for Distal myopathy with posterior leg and anterior hand involvement; Myofibrillar myopathy 5; Hypertrophic cardiomyopathy 26. Last evaluated: 2019-12-12. Review status: criteria provided, single submitter. Criteria: Invitae Variant Classification Sherloc (09022015). Collection method: clinical testing. Allele origin: germline.
Comment: In summary, the available evidence is currently insufficient to determine the role of this variant in disease. Therefore, it has been classified as a Variant of Uncertain Significance. Experimental studies and prediction algorithms are not available or were not evaluated, and the functional significance of this variant is currently unknown. This variant has not been reported in the literature in individuals with FLNC-related conditions. This variant is not present in population databases (ExAC no frequency). This variant, c.519_525delinsT, results in the deletion of 2 amino acid(s) of the FLNC protein (p.Pro174_Gln175del), but otherwise preserves the integrity of the reading frame.

NM_001458.5(FLNC):c.519_525delinsT (p.Pro174_Gln175del)

Gene: FLNC (filamin C; plus strand). Cytogenetic location: 7q32.1.
Variant type: Indel.
Coding change: c.519_525delinsT on transcript NM_001458.5 (MANE Select); coding-DNA positions 519 to 525, GCCCCAG replaced by T.
Protein change: p.Pro174_Gln175del.
Molecular consequence: inframe deletion.
Genome position (GRCh38, 1-based): chr7:128,835,492-128,835,498, GCCCCAG replaced by T. VCF-style: chr7-128835492-GCCCCAG-T. GRCh37 (hg19) VCF-style: chr7-128475546-GCCCCAG-T.
Other names: c.519_525delinsT, p.Pro174_Gln175del (NM_001127487.2).
Identifiers: ClinVar variation 966341 (VCV000966341.8), dbSNP rs1808059318, ClinGen allele CA1139660235.
Genomic context (GRCh38, chr7:128,835,492, plus strand): 5'-TGAGGATGCCCGCAAACAGACGCCCAAGCAGCGGCTGCTTGGCTGGATCCAGAACAAGGT[GCCCCAG>T]CTGCCCATCACCAACTTCAACCGTGACTGGCAGGACGGCAAAGCTCTGGGCGCCCTGGTG-3'